The following is an entry in ClinVar:

ClinVar aggregate classification (germline): Pathogenic (1 of 4 stars; one submission).

Conditions:
Primary ciliary dyskinesia. Also called: Ciliary dyskinesia. Identifiers: Orphanet 244, MedGen C0008780, MONDO:0016575, HP:0012265.

Submission:

Labcorp Genetics (formerly Invitae), Labcorp
Classification: Pathogenic for Primary ciliary dyskinesia. Last evaluated: 2016-11-01. Review status: criteria provided, single submitter. Criteria: Invitae Variant Classification Sherloc (09022015). Collection method: clinical testing. Allele origin: germline.
Comment: This variant is a gross deletion of the genomic region encompassing exon 7 of the DYX1C1 gene. This creates a premature translational stop signal and is expected to result in an absent or disrupted protein product. Loss-of-function variants in DYX1C1 are known to be pathogenic. A similar deletion of exon 7 has been reported in individuals with primary ciliary dyskinesia (PMID: 23872636, 24824133), several of whom were homozygous for this variant. For these reasons, this variant has been classified as Pathogenic.

NM_130810.3(DNAAF4):c.784-?_893+?del

Genes: DNAAF4 (dynein axonemal assembly factor 4; minus strand), DNAAF4-CCPG1 (DNAAF4-CCPG1 readthrough (NMD candidate); minus strand). Cytogenetic location: 15q21.3.
Variant type: Deletion.
Coding change: c.784-?_893+?del on transcript NM_130810.3.
Identifiers: ClinVar variation 254083 (VCV000254083.1).